The following is an entry in ClinVar:

NM_000548.5(TSC2):c.4276G>A (p.Glu1426Lys)

Gene: TSC2 (TSC complex subunit 2; plus strand). Cytogenetic location: 16p13.3.
Variant type: single nucleotide variant.
Coding change: c.4276G>A on transcript NM_000548.5 (MANE Select); coding-DNA position 4276, G replaced by A.
Protein change: p.Glu1426Lys; replaces glutamic acid 1426 with lysine.
Molecular consequence: missense variant. On other transcripts: non-coding transcript variant (5).
Genome position (GRCh38, 1-based): chr16:2,084,498, G>A. VCF-style: chr16-2084498-G-A. GRCh37 (hg19) VCF-style: chr16-2134499-G-A.
Other names: c.4165G>A, p.Glu1389Lys (NM_001406668.1); c.4096G>A, p.Glu1366Lys (NM_001406670.1); c.4066G>A, p.Glu1356Lys (NM_001406671.1); c.4063G>A, p.Glu1355Lys (NM_001406673.1); c.4060G>A, p.Glu1354Lys (NM_001406675.1); c.4057G>A, p.Glu1353Lys (NM_001406676.1); c.4018G>A, p.Glu1340Lys (NM_001406677.1); c.3964G>A, p.Glu1322Lys (NM_001406678.1); and 26 more; short protein forms E1160K, E1206K, E1310K, E1323K, E1340K, E1353K, E1356K, E1370K.
Identifiers: ClinVar variation 2848721 (VCV002848721.4), dbSNP rs45449094, ClinGen allele CA394300744.

ClinVar aggregate classification (germline): Uncertain significance. Review status: criteria provided, multiple submitters, no conflicts (2 of 4 stars). 2 submissions from 2 submitters: Uncertain significance (2). Last evaluated 2025-10-27.

Conditions:
Tuberous sclerosis 2 (TSC2). Identifiers: Orphanet 805, MedGen C1860707, MONDO:0013199, OMIM 613254.
Lymphangiomyomatosis (LAM). Also called: Lymphangioleiomyomatosis; Lymphangioleiomyomatosis, somatic. Identifiers: Orphanet 538, MedGen C0751674, MONDO:0011705, OMIM 606690.
Isolated focal cortical dysplasia type II (FCORD2). Also called: Focal cortical dysplasia type II; CORTICAL DYSPLASIA OF TAYLOR. Identifiers: Orphanet 268994, MedGen C1846385, MONDO:0011818, OMIM 607341, HP:0032051.

Submissions (2):

Labcorp Genetics (formerly Invitae), Labcorp
Classification: Uncertain significance for Tuberous sclerosis 2. Last evaluated: 2025-10-27. Review status: criteria provided, single submitter. Criteria: Invitae Variant Classification Sherloc (09022015). Collection method: clinical testing. Allele origin: germline.
Comment: This sequence change replaces glutamic acid, which is acidic and polar, with lysine, which is basic and polar, at codon 1426 of the TSC2 protein (p.Glu1426Lys). This variant is not present in population databases (gnomAD no frequency). This variant has not been reported in the literature in individuals affected with TSC2-related conditions. ClinVar contains an entry for this variant (Variation ID: 2848721). Invitae Evidence Modeling of protein sequence and biophysical properties (such as structural, functional, and spatial information, amino acid conservation, physicochemical variation, residue mobility, and thermodynamic stability) indicates that this missense variant is not expected to disrupt TSC2 protein function with a negative predictive value of 95%. In summary, the available evidence is currently insufficient to determine the role of this variant in disease. Therefore, it has been classified as a Variant of Uncertain Significance.

Fulgent Genetics
Classification: Uncertain significance for Lymphangiomyomatosis; Isolated focal cortical dysplasia type II; Tuberous sclerosis 2. Last evaluated: 2024-06-12. Review status: criteria provided, single submitter. Criteria: ACMG Guidelines, 2015. Collection method: clinical testing. Allele origin: germline.